The following is an entry in ClinVar:

NM_022356.4(P3H1):c.1579G>A (p.Glu527Lys)

Gene: P3H1 (prolyl 3-hydroxylase 1; minus strand). Cytogenetic location: 1p34.2.
Variant type: single nucleotide variant.
Coding change: c.1579G>A on transcript NM_022356.4 (MANE Select); coding-DNA position 1579, G replaced by A.
Protein change: p.Glu527Lys; replaces glutamic acid 527 with lysine.
Molecular consequence: missense variant.
Genome position (GRCh38, 1-based): chr1:42,750,327, C>T on the plus strand (G>A on the coding strand, the complement: P3H1 is on the minus strand). VCF-style: chr1-42750327-C-T. GRCh37 (hg19) VCF-style: chr1-43215998-C-T.
Other names: c.1579G>A, p.Glu527Lys (NM_001146289.2, NM_001243246.2); short protein forms E527K.
Identifiers: ClinVar variation 536809 (VCV000536809.6), dbSNP rs962784379, ClinGen allele CA21242381.
Genomic context (GRCh38, chr1:42,750,327, plus strand): 5'-GCCGCACCTTCTCCGTCACGTTGTAGTACAGGTGGGCACTCTGCAGAGGAACTTTGCCTT[C>T]TTGCCCCAGCTGCCAAGGAGACAGATGGTCAGCTGCCCTCAACGACTGATATGGTTTGGC-3'
Protein context (NP_071751.3, residues 517-537): TVFKALKLGQ[Glu527Lys]GKVPLQSAHL

ClinVar aggregate classification (germline): Uncertain significance. Review status: criteria provided, multiple submitters, no conflicts (2 of 4 stars). 2 submissions from 2 submitters: Uncertain significance (2). Last evaluated 2024-06-17.

Conditions:
Inborn genetic diseases. Identifiers: MedGen C0950123, MeSH D030342.
Osteogenesis imperfecta type 8 (OI8). Identifiers: MedGen C1970458, MONDO:0012581, OMIM 610915.

Allele frequency attached by ClinVar (database versions not stated): gnomAD exomes below 0.00001; gnomAD 0.00006; TOPMed 0.00007.

Submissions (2):

Ambry Genetics
Classification: Uncertain significance for Inborn genetic diseases. Last evaluated: 2024-06-17. Review status: criteria provided, single submitter. Criteria: Ambry Variant Classification Scheme 2023. Collection method: clinical testing. Allele origin: germline.

Labcorp Genetics (formerly Invitae), Labcorp
Classification: Uncertain significance for Osteogenesis imperfecta type 8. Last evaluated: 2022-06-13. Review status: criteria provided, single submitter. Criteria: Invitae Variant Classification Sherloc (09022015). Collection method: clinical testing. Allele origin: germline.
Comment: This sequence change replaces glutamic acid, which is acidic and polar, with lysine, which is basic and polar, at codon 527 of the P3H1 protein (p.Glu527Lys). This variant is present in population databases (no rsID available, gnomAD 0.007%). This variant has not been reported in the literature in individuals affected with P3H1-related conditions. ClinVar contains an entry for this variant (Variation ID: 536809). Algorithms developed to predict the effect of missense changes on protein structure and function (SIFT, PolyPhen-2, Align-GVGD) all suggest that this variant is likely to be tolerated. In summary, the available evidence is currently insufficient to determine the role of this variant in disease. Therefore, it has been classified as a Variant of Uncertain Significance.